The following is an entry in ClinVar:

NM_032119.4(ADGRV1):c.3482C>G (p.Ser1161Cys)

Gene: ADGRV1 (adhesion G protein-coupled receptor V1; plus strand). Cytogenetic location: 5q14.3.
Variant type: single nucleotide variant.
Coding change: c.3482C>G on transcript NM_032119.4 (MANE Select); coding-DNA position 3482, C replaced by G.
Protein change: p.Ser1161Cys; replaces serine 1161 with cysteine.
Molecular consequence: missense variant. On other transcripts: non-coding transcript variant (1).
Genome position (GRCh38, 1-based): chr5:90,652,411, C>G. VCF-style: chr5-90652411-C-G. GRCh37 (hg19) VCF-style: chr5-89948228-C-G.
Other names: short protein forms S1161C.
Identifiers: ClinVar variation 46317 (VCV000046317.25), dbSNP rs147062294, ClinGen allele CA138108.
Genomic context (GRCh38, chr5:90,652,411, plus strand): 5'-TGAGGCACCGAGGATACTTTGGTAGTGTTTCTGTATCTTGGCAGCTCTTTCAGAATGATT[C>G]TGCTTTGCAGCCTGGGCAGGAGTTCTATGAAACTTCAGGAACTGTTAACTTCATGGATGG-3'
Protein context (NP_115495.3, residues 1151-1171): SVSWQLFQND[Ser1161Cys]ALQPGQEFYE

ClinVar aggregate classification (germline): Benign/Likely benign. Review status: criteria provided, multiple submitters, no conflicts (2 of 4 stars). 9 submissions from 9 submitters: Benign (3); Likely benign (3). 3 of the submissions do not count toward it. Last evaluated 2026-02-01.

Conditions:
ADGRV1-related disorder. Also called: ADGRV1-related condition; ADGRV1-related disorders.
Febrile seizures, familial, 4 (FEB4). Also called: CONVULSIONS, FAMILIAL FEBRILE, 4. Identifiers: MedGen C1858493, MONDO:0011443, OMIM 604352.
Usher syndrome type 2C. Also called: Usher syndrome, type 2B; USHER SYNDROME, TYPE IIC. Identifiers: Orphanet 231178, Orphanet 886, MedGen C2931213, MONDO:0011558, OMIM 605472.

Allele frequency attached by ClinVar (database versions not stated): gnomAD exomes 0.00125; ExAC 0.00152; ESP Exome Variant Server 0.00413; gnomAD 0.00462 and 0.00492; TOPMed 0.00528; 1000 Genomes Project 0.00699; 1000 Genomes Project 30x 0.00734.
gnomAD v4.1: 1,434 of 1,612,196 alleles (0.089%); highest among the groups gnomAD compares: African/African-American, 1.5%; 13 homozygotes.

Submissions (9):

Labcorp Genetics (formerly Invitae), Labcorp
Classification: Benign. Last evaluated: 2026-02-01. Review status: criteria provided, single submitter. Criteria: Invitae Variant Classification Sherloc (09022015). Collection method: clinical testing. Allele origin: germline.

Fulgent Genetics
Classification: Likely benign for Febrile seizures, familial, 4; Usher syndrome type 2C. Last evaluated: 2021-09-05. Review status: criteria provided, single submitter. Criteria: ACMG Guidelines, 2015. Collection method: clinical testing. Allele origin: unknown.

GeneDx
Classification: Benign. Last evaluated: 2018-06-05. Review status: criteria provided, single submitter. Criteria: GeneDx Variant Classification Process June 2021. Collection method: clinical testing. Allele origin: germline. Affected: yes.

Illumina Laboratory Services, Illumina
Classification: Likely benign for Usher syndrome type 2C. Last evaluated: 2018-01-12. Review status: criteria provided, single submitter. Criteria: ICSL Variant Classification Criteria 13 December 2019. Collection method: clinical testing. Allele origin: germline.
Comment: This variant was observed in the ICSL laboratory as part of a predisposition screen in an ostensibly healthy population. It had not been previously curated by ICSL or reported in the Human Gene Mutation Database (HGMD: prior to June 1st, 2018), and was therefore a candidate for classification through an automated scoring system. Utilizing variant allele frequency, disease prevalence and penetrance estimates, and inheritance mode, an automated score was calculated to assess if this variant is too frequent to cause the disease. Based on the score and internal cut-off values, a variant classified as likely benign is not then subjected to further curation. The score for this variant resulted in a classification of likely benign for this disease.

Laboratory for Molecular Medicine, Mass General Brigham Personalized Medicine
Classification: Benign. Last evaluated: 2012-04-30. Review status: criteria provided, single submitter. Criteria: LMM Criteria. Collection method: clinical testing. Allele origin: germline. Observed: 14 variant alleles.
Comment: Ser1161Cys in Exon 19 of GPR98: This variant is not expected to have clinical si gnificance because it has been identified in 1.3% (42/3126) of African American chromosomes from a broad population by the NHLBI Exome Sequencing Project (dbSNP rs147062294).

Breakthrough Genomics
Classification: Likely benign. Review status: criteria provided, single submitter. Criteria: ACMG Guidelines, 2015. Collection method: not provided. Allele origin: germline. Inheritance: Autosomal recessive inheritance. Affected: yes.

PreventionGenetics, part of Exact Sciences
Classification: Benign for ADGRV1-related condition. Last evaluated: 2019-07-26. Review status: no assertion criteria provided. Collection method: clinical testing. Allele origin: germline. Not counted in ClinVar's aggregate classification.
Comment: This variant is classified as benign based on ACMG/AMP sequence variant interpretation guidelines (Richards et al. 2015 PMID: 25741868, with internal and published modifications).

Clinical Genetics, Academic Medical Center
Classification: Benign. Review status: no assertion criteria provided. Collection method: clinical testing. Allele origin: germline. Affected: yes. Study: VKGL Data-share Consensus. Not counted in ClinVar's aggregate classification.

Genome Diagnostics Laboratory, University Medical Center Utrecht
Classification: Likely benign. Review status: no assertion criteria provided. Collection method: clinical testing. Allele origin: germline. Affected: yes. Study: VKGL Data-share Consensus. Not counted in ClinVar's aggregate classification.